The following is an entry in ClinVar:

ClinVar aggregate classification (germline): Conflicting classifications of pathogenicity. Review status: criteria provided, conflicting classifications (1 of 4 stars). 5 submissions from 5 submitters: Uncertain significance (1); Benign (1); Likely benign (3). Last evaluated 2026-01-26.

Conditions:
Cardiovascular phenotype. Identifiers: MedGen CN230736.
Dilated cardiomyopathy 1DD (CMD1DD). Identifiers: Orphanet 154, MedGen C2750995, MONDO:0013168, OMIM 613172.

Allele frequency attached by ClinVar (database versions not stated): ExAC 0.00010; TOPMed 0.00010; gnomAD exomes 0.00012 and 0.00020; gnomAD 0.00013 and 0.00014.
gnomAD v4.1: 297 of 1,551,330 alleles (0.019%); highest among the groups gnomAD compares: Non-Finnish European, 0.023%; no homozygotes.

Submissions (5):

Labcorp Genetics (formerly Invitae), Labcorp
Classification: Benign for Dilated cardiomyopathy 1DD. Last evaluated: 2026-01-26. Review status: criteria provided, single submitter. Criteria: Invitae Variant Classification Sherloc (09022015). Collection method: clinical testing. Allele origin: germline.

Ambry Genetics
Classification: Likely benign for Cardiovascular phenotype. Last evaluated: 2024-03-31. Review status: criteria provided, single submitter. Criteria: Ambry Variant Classification Scheme 2023. Collection method: clinical testing. Allele origin: germline.

Blueprint Genetics
Classification: Likely benign. Last evaluated: 2024-02-29. Review status: criteria provided, single submitter. Criteria: ACMG Guidelines, 2015. Collection method: clinical testing. Allele origin: germline.

GeneDx
Classification: Uncertain significance. Last evaluated: 2022-12-19. Review status: criteria provided, single submitter. Criteria: GeneDx Variant Classification Process June 2021. Collection method: clinical testing. Allele origin: germline. Affected: yes.
Comment: Reported in a cohort with LVNC (Sedaghat-Hamedani et al., 2017); In silico analysis supports that this missense variant does not alter protein structure/function; Functional studies did not demonstrate this variant leads to altered titin splicing (Sedaghat-Hamedani et al., 2017); This variant is associated with the following publications: (PMID: 29029073)

Women's Health and Genetics/Laboratory Corporation of America, LabCorp
Classification: Likely benign. Last evaluated: 2020-12-29. Review status: criteria provided, single submitter. Criteria: LabCorp Variant Classification Summary - May 2015. Collection method: clinical testing. Allele origin: germline.
Comment: Variant summary: RBM20 c.2393C>T (p.Pro798Leu) results in a non-conservative amino acid change in the encoded protein sequence. Four of five in-silico tools predict a benign effect of the variant on protein function. The variant allele was found at a frequency of 0.00012 in 156274 control chromosomes, predominantly at a frequency of 0.0002 within the Non-Finnish European subpopulation in the gnomAD database. The observed variant frequency within Non-Finnish European control individuals in the gnomAD database is approximately 4 fold of the estimated maximal expected allele frequency for a pathogenic variant in RBM20 causing Dilated Cardiomyopathy phenotype (4.7e-05), strongly suggesting that the variant is a benign polymorphism found primarily in populations of Non-Finnish European origin. c.2393C>T has been reported in the literature in individuals affected with left ventricular non-compaction cardiomyopathy (Sedaghat-Hamedani_2017). The report does not provide unequivocal conclusions about association of the variant with Dilated Cardiomyopathy. One co-occurrence with another pathogenic variant has been reported internally (LMNA c.725C>T, p.Ala242Val), providing supporting evidence for a benign role. At least one publication reports experimental evidence evaluating an impact on protein function and showed no damaging effect of this variant (Sedaghat-Hamedani_2017). Two ClinVar submitters (evaluation after 2014) cite the variant as uncertain significance. Based on the evidence outlined above, the variant was classified as likely benign.

Literature cited by the submitters: PubMed 29029073 (cited by Ambry Genetics and Women's Health and Genetics/Laboratory Corporation of America, LabCorp); PubMed 30871351 (cited by Women's Health and Genetics/Laboratory Corporation of America, LabCorp).

NM_001134363.3(RBM20):c.2393C>T (p.Pro798Leu)

Gene: RBM20 (RNA binding motif protein 20; plus strand). Cytogenetic location: 10q25.2.
Variant type: single nucleotide variant.
Coding change: c.2393C>T on transcript NM_001134363.3 (MANE Select); coding-DNA position 2393, C replaced by T.
Protein change: p.Pro798Leu; replaces proline 798 with leucine.
Molecular consequence: missense variant.
Genome position (GRCh38, 1-based): chr10:110,812,790, C>T. VCF-style: chr10-110812790-C-T. GRCh37 (hg19) VCF-style: chr10-112572548-C-T.
Other names: c.2393C>T (LRG_382t1); short protein forms P798L.
Identifiers: ClinVar variation 180481 (VCV000180481.18), dbSNP rs730880184, ClinGen allele CA346601.